The following is an entry in ClinVar:

ClinVar aggregate classification (germline): Uncertain significance (1 of 4 stars; one submission).

Conditions:
Hereditary cancer-predisposing syndrome. Also called: Neoplastic Syndromes, Hereditary; Tumor predisposition; Hereditary neoplastic syndrome; Hereditary Cancer Syndrome. Identifiers: Orphanet 140162, MedGen C0027672, MeSH D009386, MONDO:0015356.

Submission:

Ambry Genetics
Classification: Uncertain significance for Hereditary cancer-predisposing syndrome. Last evaluated: 2023-12-08. Review status: criteria provided, single submitter. Criteria: Ambry Variant Classification Scheme 2023. Collection method: clinical testing. Allele origin: germline.
Comment: The p.L374V variant (also known as c.1120T>G), located in coding exon 8 of the RAD50 gene, results from a T to G substitution at nucleotide position 1120. The leucine at codon 374 is replaced by valine, an amino acid with highly similar properties. This amino acid position is conserved. In addition, this alteration is predicted to be tolerated by in silico analysis. Since supporting evidence is limited at this time, the clinical significance of this alteration remains unclear.

NM_005732.4(RAD50):c.1120T>G (p.Leu374Val)

Gene: RAD50 (RAD50 double strand break repair protein; plus strand). Cytogenetic location: 5q31.1.
Variant type: single nucleotide variant.
Coding change: c.1120T>G on transcript NM_005732.4 (MANE Select); coding-DNA position 1120, T replaced by G.
Protein change: p.Leu374Val; replaces leucine 374 with valine.
Molecular consequence: missense variant.
Genome position (GRCh38, 1-based): chr5:132,588,755, T>G. VCF-style: chr5-132588755-T-G. GRCh37 (hg19) VCF-style: chr5-131924447-T-G.
Other names: short protein forms L374V.
Identifiers: ClinVar variation 3224931 (VCV003224931.1), dbSNP rs2479634588, ClinGen allele CA360942469.